The following is an entry in ClinVar:

ClinVar aggregate classification (germline): Uncertain significance (1 of 4 stars; one submission).

gnomAD v4.1: 1 of 1,611,400 alleles (0.000062%); highest among the groups gnomAD compares: Non-Finnish European, 0.000085%; no homozygotes.

Submission:

Labcorp Genetics (formerly Invitae), Labcorp
Classification: Uncertain significance. Last evaluated: 2024-04-09. Review status: criteria provided, single submitter. Criteria: Invitae Variant Classification Sherloc (09022015). Collection method: clinical testing. Allele origin: germline.
Comment: This sequence change falls in intron 13 of the POLR1A gene. It does not directly change the encoded amino acid sequence of the POLR1A protein. It affects a nucleotide within the consensus splice site. This variant is not present in population databases (gnomAD no frequency). This variant has not been reported in the literature in individuals affected with POLR1A-related conditions. Variants that disrupt the consensus splice site are a relatively common cause of aberrant splicing (PMID: 17576681, 9536098). Algorithms developed to predict the effect of sequence changes on RNA splicing suggest that this variant is not likely to affect RNA splicing. In summary, the available evidence is currently insufficient to determine the role of this variant in disease. Therefore, it has been classified as a Variant of Uncertain Significance.

Literature cited by the submitters: PubMed 17576681; PubMed 9536098.

NM_015425.6(POLR1A):c.1866+6T>G

Genes: POLR1A (RNA polymerase I subunit A; minus strand), LOC126806264 (MED14-independent group 3 enhancer GRCh37_chr2:86296595-86297794; plus strand). Cytogenetic location: 2p11.2.
Variant type: single nucleotide variant.
Coding change: c.1866+6T>G on transcript NM_015425.6 (MANE Select); 6 bases into the intron after coding-DNA position 1866, T replaced by G.
Molecular consequence: intron variant.
Genome position (GRCh38, 1-based): chr2:86,070,012, A>C on the plus strand (T>G on the coding strand, the complement: POLR1A is on the minus strand). VCF-style: chr2-86070012-A-C. GRCh37 (hg19) VCF-style: chr2-86297135-A-C.
Identifiers: ClinVar variation 3685333 (VCV003685333.2).